The following is an entry in ClinVar:

ClinVar aggregate classification (germline): Uncertain significance (0 of 4 stars; one submission).

Conditions:
SEMA3A-related disorder. Also called: SEMA3A-related condition.

gnomAD v4.1: 2 of 1,613,780 alleles (0.00012%); highest among the groups gnomAD compares: Non-Finnish European, 0.00017%; no homozygotes.

Submission:

PreventionGenetics, part of Exact Sciences
Classification: Uncertain significance for SEMA3A-related condition. Last evaluated: 2024-08-14. Review status: no assertion criteria provided. Collection method: clinical testing. Allele origin: germline.
Comment: The SEMA3A c.1634A>G variant is predicted to result in the amino acid substitution p.Tyr545Cys. To our knowledge, this variant has not been reported in the literature or in a large population database, indicating this variant is rare. At this time, the clinical significance of this variant is uncertain due to the absence of conclusive functional and genetic evidence.

NM_006080.3(SEMA3A):c.1634A>G (p.Tyr545Cys)

Gene: SEMA3A (semaphorin 3A; minus strand). Cytogenetic location: 7q21.11.
Variant type: single nucleotide variant.
Coding change: c.1634A>G on transcript NM_006080.3 (MANE Select); coding-DNA position 1634, A replaced by G.
Protein change: p.Tyr545Cys; replaces tyrosine 545 with cysteine.
Molecular consequence: missense variant.
Genome position (GRCh38, 1-based): chr7:83,981,339, T>C on the plus strand (A>G on the coding strand, the complement: SEMA3A is on the minus strand). VCF-style: chr7-83981339-T-C. GRCh37 (hg19) VCF-style: chr7-83610655-T-C.
Other names: short protein forms Y545C.
Identifiers: ClinVar variation 3347471 (VCV003347471.1).